The following is an entry in ClinVar:

NM_002017.5(FLI1):c.338dup (p.Pro114fs)

Gene: FLI1 (Fli-1 proto-oncogene, ETS transcription factor; plus strand). Cytogenetic location: 11q24.3.
Variant type: Duplication.
Coding change: c.338dup on transcript NM_002017.5 (MANE Select); coding-DNA position 338, one base duplicated (C; older notation c.338dupC).
Protein change: p.Pro114fs; shifts the reading frame from proline 114.
Molecular consequence: frameshift variant. On other transcripts: intron variant (1).
Genome position (GRCh38, 1-based): chr11:128,768,225, C duplicated; the last of 6 consecutive C bases (chr11:128,768,220-128,768,225); duplicating any one gives the same sequence. VCF-style (leftmost placement, unchanged base first): chr11-128768219-G-GC. GRCh37 (hg19) VCF-style: chr11-128638114-G-GC.
Other names: p.Pro114Serfs*56; c.239dup, p.Pro81fs (NM_001167681.3, NM_001440369.1, NM_001440370.1 and 1 more transcripts); c.140dup, p.Pro48fs (NM_001271010.2); c.338dup, p.Pro114fs (NM_001440372.1); c.10+9899dup (NM_001271012.2); short protein forms P81fs, P114fs, P48fs.
Identifiers: ClinVar variation 4541671 (VCV004541671.1).
Genomic context (GRCh38, chr11:128,768,219, plus strand): 5'-TGGTGGGCGGAGGCGAGTCCAACCCCATGAACTACAACAGCTATATGGACGAGAAGAATG[G>GC]CCCCCCTCCTCCCAACATGACCACCAACGAGAGGAGAGTCATCGTCCCCGCAGGTAATTC-3'

ClinVar aggregate classification (germline): Pathogenic (1 of 4 stars; one submission).

Submission:

Mayo Clinic Laboratories, Mayo Clinic
Classification: Pathogenic. Last evaluated: 2025-07-30. Review status: criteria provided, single submitter. Criteria: ACMG Guidelines, 2015. Collection method: clinical testing. Allele origin: germline. Observed: 1 variant allele.
Comment: PP4_moderate, PM2_supporting, PVS1